The following is an entry in ClinVar:

NM_024426.6(WT1):c.1108A>T (p.Ile370Phe)

Gene: WT1 (WT1 transcription factor; minus strand). Cytogenetic location: 11p13.
Variant type: single nucleotide variant.
Coding change: c.1108A>T on transcript NM_024426.6 (MANE Select); coding-DNA position 1108, A replaced by T.
Protein change: p.Ile370Phe; replaces isoleucine 370 with phenylalanine.
Molecular consequence: missense variant. On other transcripts: 5 prime UTR variant (1), non-coding transcript variant (1).
Genome position (GRCh38, 1-based): chr11:32,399,953, T>A on the plus strand (A>T on the coding strand, the complement: WT1 is on the minus strand). VCF-style: chr11-32399953-T-A. GRCh37 (hg19) VCF-style: chr11-32421499-T-A.
Other names: c.1057A>T, p.Ile353Phe (NM_000378.6, NM_001407045.1, NM_001407048.1 and 1 more transcripts); c.457A>T, p.Ile153Phe (NM_001198551.2); c.406A>T, p.Ile136Phe (NM_001198552.2); c.-81A>T (NM_001367854.1); c.1102A>T, p.Ile368Phe (NM_001407044.1); c.1108A>T, p.Ile370Phe (NM_001407046.1, NM_024424.5); c.985A>T, p.Ile329Phe (NM_001407047.1); c.934A>T, p.Ile312Phe (NM_001407050.1); and 3 more; short protein forms I312F, I368F, I116F, I136F, I365F, I370F, I153F, I348F.
Identifiers: ClinVar variation 2057258 (VCV002057258.5), dbSNP rs2132956945, ClinGen allele CA379960238.

ClinVar aggregate classification (germline): Uncertain significance. Review status: criteria provided, multiple submitters, no conflicts (2 of 4 stars). 2 submissions from 2 submitters: Uncertain significance (2). Last evaluated 2025-08-05.

Conditions:
Frasier syndrome. Identifiers: Orphanet 347, MedGen C0950122, MeSH D052159, MONDO:0007635, OMIM 136680.
Wilms tumor 1 (WT1). Also called: Wilms tumor, somatic. Identifiers: Orphanet 654, MedGen CN033288, MONDO:0008679, OMIM 194070.
11p partial monosomy syndrome (WAGR). Also called: CHROMOSOME 11p13 DELETION SYNDROME; WAGR Complex; WAGR Spectrum Disorder; WAGR syndrome. Identifiers: Orphanet 893, MedGen C0206115, MONDO:0008681, OMIM 194072.
Drash syndrome (DDS). Also called: NEPHROPATHY, WILMS TUMOR, AND GENITAL ANOMALIES; WILMS TUMOR AND PSEUDO- OR TRUE HERMAPHRODITISM. Identifiers: Orphanet 220, MedGen C0950121, MONDO:0008682, OMIM 194080.
Inborn genetic diseases. Identifiers: MedGen C0950123, MeSH D030342.

Submissions (2):

Ambry Genetics
Classification: Uncertain significance for Inborn genetic diseases. Last evaluated: 2025-08-05. Review status: criteria provided, single submitter. Criteria: Ambry Variant Classification Scheme 2023. Collection method: clinical testing. Allele origin: germline.
Comment: The p.I365F variant (also known as c.1093A>T), located in coding exon 6 of the WT1 gene, results from an A to T substitution at nucleotide position 1093. The isoleucine at codon 365 is replaced by phenylalanine, an amino acid with highly similar properties. This amino acid position is conserved. In addition, the in silico prediction for this alteration is inconclusive. Based on the available evidence, the clinical significance of this variant remains unclear.

Labcorp Genetics (formerly Invitae), Labcorp
Classification: Uncertain significance for Wilms tumor 1; Drash syndrome; 11p partial monosomy syndrome; Frasier syndrome. Last evaluated: 2021-12-24. Review status: criteria provided, single submitter. Criteria: Invitae Variant Classification Sherloc (09022015). Collection method: clinical testing. Allele origin: germline.
Comment: This variant is not present in population databases (gnomAD no frequency). This variant has not been reported in the literature in individuals affected with WT1-related conditions. Algorithms developed to predict the effect of missense changes on protein structure and function are either unavailable or do not agree on the potential impact of this missense change (SIFT: "Deleterious"; PolyPhen-2: "Possibly Damaging"; Align-GVGD: "Class C0"). In summary, the available evidence is currently insufficient to determine the role of this variant in disease. Therefore, it has been classified as a Variant of Uncertain Significance. This sequence change replaces isoleucine, which is neutral and non-polar, with phenylalanine, which is neutral and non-polar, at codon 365 of the WT1 protein (p.Ile365Phe).